The following is an entry in ClinVar:

NM_001378454.1(ALMS1):c.6183G>C (p.Gln2061His)

Gene: ALMS1 (ALMS1 centrosome and basal body associated protein; plus strand). Cytogenetic location: 2p13.1.
Variant type: single nucleotide variant.
Coding change: c.6183G>C on transcript NM_001378454.1 (MANE Select); coding-DNA position 6183, G replaced by C.
Protein change: p.Gln2061His; replaces glutamine 2061 with histidine.
Molecular consequence: missense variant.
Genome position (GRCh38, 1-based): chr2:73,452,710, G>C. VCF-style: chr2-73452710-G-C. GRCh37 (hg19) VCF-style: chr2-73679837-G-C.
Other names: c.6186G>C, p.Gln2062His (NM_015120.4); short protein forms Q2062H, Q2061H.
Identifiers: ClinVar variation 654570 (VCV000654570.11), dbSNP rs200041852, ClinGen allele CA1714023.

ClinVar aggregate classification (germline): Conflicting classifications of pathogenicity. Review status: criteria provided, conflicting classifications (1 of 4 stars). 5 submissions from 5 submitters: Uncertain significance (3); Likely benign (2). Last evaluated 2026-02-05.

Conditions:
Cardiovascular phenotype. Identifiers: MedGen CN230736.
Alstrom syndrome (ALMS). Identifiers: Orphanet 64, MedGen C0268425, MONDO:0008763, OMIM 203800.

Allele frequency attached by ClinVar (database versions not stated): gnomAD 0.00005 and 0.00006; TOPMed 0.00005; gnomAD exomes 0.00009; 1000 Genomes Project 30x 0.00016; ExAC 0.00043.
gnomAD v4.1: 140 of 1,613,732 alleles (0.0087%); highest among the groups gnomAD compares: Non-Finnish European, 0.0094%; 1 homozygote.

Submissions (5):

GeneDx
Classification: Uncertain significance. Last evaluated: 2026-02-05. Review status: criteria provided, single submitter. Criteria: GeneDx Variant Classification Process June 2021. Collection method: clinical testing. Allele origin: germline. Affected: yes.
Comment: In silico analysis suggests that this missense variant does not alter protein structure/function; Has not been previously published as pathogenic or benign to our knowledge

Labcorp Genetics (formerly Invitae), Labcorp
Classification: Uncertain significance for Alstrom syndrome. Last evaluated: 2026-01-02. Review status: criteria provided, single submitter. Criteria: Invitae Variant Classification Sherloc (09022015). Collection method: clinical testing. Allele origin: germline.
Comment: This sequence change replaces glutamine, which is neutral and polar, with histidine, which is basic and polar, at codon 2062 of the ALMS1 protein (p.Gln2062His). This variant is present in population databases (rs200041852, gnomAD 0.04%). This variant has not been reported in the literature in individuals affected with ALMS1-related conditions. ClinVar contains an entry for this variant (Variation ID: 654570). Experimental studies and prediction algorithms are not available or were not evaluated, and the functional significance of this variant is currently unknown. In summary, the available evidence is currently insufficient to determine the role of this variant in disease. Therefore, it has been classified as a Variant of Uncertain Significance.

Blueprint Genetics
Classification: Likely benign. Last evaluated: 2024-09-03. Review status: criteria provided, single submitter. Criteria: ACMG Guidelines, 2015. Collection method: clinical testing. Allele origin: germline.

Fulgent Genetics
Classification: Uncertain significance for Alstrom syndrome. Last evaluated: 2021-12-27. Review status: criteria provided, single submitter. Criteria: ACMG Guidelines, 2015. Collection method: clinical testing. Allele origin: unknown.

Ambry Genetics
Classification: Likely benign for Cardiovascular phenotype. Last evaluated: 2021-11-09. Review status: criteria provided, single submitter. Criteria: Ambry Variant Classification Scheme 2023. Collection method: clinical testing. Allele origin: germline.